The following is an entry in ClinVar:

ClinVar aggregate classification (germline): Uncertain significance. Review status: criteria provided, multiple submitters, no conflicts (2 of 4 stars). 2 submissions from 2 submitters: Uncertain significance (2). Last evaluated 2025-03-06.

Conditions:
Cardiovascular phenotype. Identifiers: MedGen CN230736.

Submissions (2):

GeneDx
Classification: Uncertain significance. Last evaluated: 2025-03-06. Review status: criteria provided, single submitter. Criteria: GeneDx Variant Classification Process June 2021. Collection method: clinical testing. Allele origin: germline. Affected: yes.
Comment: Not observed at significant frequency in large population cohorts (gnomAD); In silico analysis supports that this missense variant has a deleterious effect on protein structure/function; Has not been previously published as pathogenic or benign to our knowledge

Ambry Genetics
Classification: Uncertain significance for Cardiovascular phenotype. Last evaluated: 2024-04-04. Review status: criteria provided, single submitter. Criteria: Ambry Variant Classification Scheme 2023. Collection method: clinical testing. Allele origin: germline.
Comment: The p.R139L variant (also known as c.416G>T), located in coding exon 4 of the GPD1L gene, results from a G to T substitution at nucleotide position 416. The arginine at codon 139 is replaced by leucine, an amino acid with dissimilar properties. This amino acid position is well conserved in available vertebrate species. In addition, this alteration is predicted to be tolerated by in silico analysis. Since supporting evidence is limited at this time, the clinical significance of this alteration remains unclear.

NM_015141.4(GPD1L):c.416G>T (p.Arg139Leu)

Gene: GPD1L (glycerol-3-phosphate dehydrogenase 1 like; plus strand). Cytogenetic location: 3p22.3.
Variant type: single nucleotide variant.
Coding change: c.416G>T on transcript NM_015141.4 (MANE Select); coding-DNA position 416, G replaced by T.
Protein change: p.Arg139Leu; replaces arginine 139 with leucine.
Molecular consequence: missense variant.
Genome position (GRCh38, 1-based): chr3:32,140,277, G>T. VCF-style: chr3-32140277-G-T. GRCh37 (hg19) VCF-style: chr3-32181769-G-T.
Other names: short protein forms R139L.
Identifiers: ClinVar variation 1738412 (VCV001738412.4), dbSNP rs775043567, ClinGen allele CA351974702.